The following is an entry in ClinVar:

ClinVar aggregate classification (germline): Likely benign. Review status: criteria provided, multiple submitters, no conflicts (2 of 4 stars). 2 submissions from 2 submitters: Likely benign (2). Last evaluated 2025-11-19.

Allele frequency attached by ClinVar (database versions not stated): ExAC 0.00001.

Submissions (2):

Labcorp Genetics (formerly Invitae), Labcorp
Classification: Likely benign. Last evaluated: 2025-11-19. Review status: criteria provided, single submitter. Criteria: Invitae Variant Classification Sherloc (09022015). Collection method: clinical testing. Allele origin: germline.

GeneDx
Classification: Likely benign. Last evaluated: 2017-02-28. Review status: criteria provided, single submitter. Criteria: GeneDx Variant Classification (06012015). Collection method: clinical testing. Allele origin: germline. Affected: yes.
Comment: This variant is considered likely benign or benign based on one or more of the following criteria: it is a conservative change, it occurs at a poorly conserved position in the protein, it is predicted to be benign by multiple in silico algorithms, and/or has population frequency not consistent with disease.

NM_020442.6(VARS2):c.69C>A (p.Pro23=)

Gene: VARS2 (valyl-tRNA synthetase 2, mitochondrial; plus strand). Cytogenetic location: 6p21.33.
Variant type: single nucleotide variant.
Coding change: c.69C>A on transcript NM_020442.6 (MANE Select); coding-DNA position 69, C replaced by A.
Protein change: p.Pro23=; no amino-acid change (proline 23 retained).
Molecular consequence: synonymous variant. On other transcripts: intron variant (1).
Genome position (GRCh38, 1-based): chr6:30,914,905, C>A. VCF-style: chr6-30914905-C-A. GRCh37 (hg19) VCF-style: chr6-30882682-C-A.
Other names: c.159C>A, p.Pro53= (NM_001167734.2); c.-219-251C>A (NM_001167733.3).
Identifiers: ClinVar variation 507521 (VCV000507521.2), dbSNP rs768525015, ClinGen allele CA3705488.